The following is an entry in ClinVar:

NM_001042492.3(NF1):c.6421T>G (p.Phe2141Val)

Gene: NF1 (neurofibromin 1; plus strand). Cytogenetic location: 17q11.2.
Variant type: single nucleotide variant.
Coding change: c.6421T>G on transcript NM_001042492.3 (MANE Select); coding-DNA position 6421, T replaced by G.
Protein change: p.Phe2141Val; replaces phenylalanine 2141 with valine.
Molecular consequence: missense variant.
Genome position (GRCh38, 1-based): chr17:31,336,908, T>G. VCF-style: chr17-31336908-T-G. GRCh37 (hg19) VCF-style: chr17-29663926-T-G.
Other names: c.6358T>G, p.Phe2120Val (NM_000267.4); short protein forms F2120V, F2141V.
Identifiers: ClinVar variation 855936 (VCV000855936.6), dbSNP rs2069691314, ClinGen allele CA399012957.

ClinVar aggregate classification (germline): Uncertain significance (1 of 4 stars; one submission).

Conditions:
Neurofibromatosis, type 1 (NF1). Also called: Neurofibromatosis, type I; VON RECKLINGHAUSEN DISEASE; Peripheral type neurofibromatosis; NEUROFIBROMATOSIS, TYPE I, SOMATIC. Identifiers: Orphanet 636, MedGen C0027831, MONDO:0018975, OMIM 162200. Disease mechanism: loss of function.

Submission:

Labcorp Genetics (formerly Invitae), Labcorp
Classification: Uncertain significance for Neurofibromatosis, type 1. Last evaluated: 2025-03-14. Review status: criteria provided, single submitter. Criteria: Invitae Variant Classification Sherloc (09022015). Collection method: clinical testing. Allele origin: germline.
Comment: This sequence change replaces phenylalanine, which is neutral and non-polar, with valine, which is neutral and non-polar, at codon 2120 of the NF1 protein (p.Phe2120Val). This variant is not present in population databases (gnomAD no frequency). This variant has not been reported in the literature in individuals affected with NF1-related conditions. ClinVar contains an entry for this variant (Variation ID: 855936). Invitae Evidence Modeling of protein sequence and biophysical properties (such as structural, functional, and spatial information, amino acid conservation, physicochemical variation, residue mobility, and thermodynamic stability) indicates that this missense variant is expected to disrupt NF1 protein function with a positive predictive value of 95%. In summary, the available evidence is currently insufficient to determine the role of this variant in disease. Therefore, it has been classified as a Variant of Uncertain Significance.